The following is an entry in ClinVar:

ClinVar aggregate classification (germline): Uncertain significance. Review status: criteria provided, multiple submitters, no conflicts (2 of 4 stars). 4 submissions from 4 submitters: Uncertain significance (4). Last evaluated 2025-05-14.

Conditions:
COL2A1-related disorder. Also called: COL2A1-related condition; COL2A1-related disorders.

Submissions (4):

Labcorp Genetics (formerly Invitae), Labcorp
Classification: Uncertain significance. Last evaluated: 2025-05-14. Review status: criteria provided, single submitter. Criteria: Invitae Variant Classification Sherloc (09022015). Collection method: clinical testing. Allele origin: germline.
Comment: This variant, c.556_558del, results in the deletion of 1 amino acid(s) of the COL2A1 protein (p.Gly186del), but otherwise preserves the integrity of the reading frame. This variant is not present in population databases (gnomAD no frequency). This variant has not been reported in the literature in individuals affected with COL2A1-related conditions. ClinVar contains an entry for this variant (Variation ID: 1018959). Experimental studies and prediction algorithms are not available or were not evaluated, and the functional significance of this variant is currently unknown. In summary, the available evidence is currently insufficient to determine the role of this variant in disease. Therefore, it has been classified as a Variant of Uncertain Significance.

PreventionGenetics, part of Exact Sciences
Classification: Uncertain significance for COL2A1-related condition. Last evaluated: 2025-03-17. Review status: criteria provided, single submitter. Criteria: ACMG Guidelines, 2015. Collection method: clinical testing. Allele origin: germline.
Comment: The COL2A1 c.556_558delGGA variant is predicted to result in an in-frame deletion (p.Gly186del). To our knowledge, this variant has not been reported in the literature or in a large population database (gnomAD), indicating this variant is rare. At this time, the clinical significance of this variant is uncertain due to the absence of conclusive functional and genetic evidence.

GeneDx
Classification: Uncertain significance. Last evaluated: 2024-08-08. Review status: criteria provided, single submitter. Criteria: GeneDx Variant Classification Process June 2021. Collection method: clinical testing. Allele origin: germline. Affected: yes.
Comment: In-frame deletion of one amino acid in a non-repeat region; Not observed at significant frequency in large population cohorts (gnomAD); In silico analysis supports a deleterious effect on protein structure/function; Has not been previously published as pathogenic or benign to our knowledge

Blueprint Genetics
Classification: Uncertain significance. Last evaluated: 2024-03-25. Review status: criteria provided, single submitter. Criteria: ACMG Guidelines, 2015. Collection method: clinical testing. Allele origin: germline.

NM_001844.5(COL2A1):c.553GGA[1] (p.Gly186del)

Gene: COL2A1 (collagen type II alpha 1 chain; minus strand). Cytogenetic location: 12q13.11.
Variant type: Microsatellite.
Coding change: c.553GGA[1] on transcript NM_001844.5 (MANE Select); one copy of the 3-base unit GGA starting at c.553; the reference has two copies in a row; one copy, 3 bases deleted; also written c.556_558del.
Protein change: p.Gly186del; deletes glycine 186.
Molecular consequence: inframe deletion.
Genome position (GRCh38, 1-based): chr12:47,996,599-47,996,601, TCC deleted on the plus strand (GGA on the coding strand, the reverse complement: COL2A1 is on the minus strand); deleting any 3 consecutive bases within chr12:47,996,599-47,996,604 gives the same sequence; the position shown is the placement nearest the transcript's 3' end. VCF-style (leftmost placement, unchanged base first): chr12-47996598-ATCC-A. GRCh37 (hg19) VCF-style: chr12-48390381-ATCC-A.
Other names: c.346GGA[1], p.Gly117del (NM_033150.3); c.556_558del (NM_001844.4); c.556_558delGGA (NM_001844.4); short protein forms G117del, G186del.
Identifiers: ClinVar variation 1018959 (VCV001018959.10), dbSNP rs1173263767, ClinGen allele CA689451107.